The following is an entry in ClinVar:

ClinVar aggregate classification (germline): Uncertain significance. Review status: criteria provided, multiple submitters, no conflicts (2 of 4 stars). 4 submissions from 4 submitters: Uncertain significance (4). Last evaluated 2024-08-15.

Conditions:
Emery-Dreifuss muscular dystrophy 5, autosomal dominant (EDMD5). Also called: EMERY-DREIFUSS MUSCULAR DYSTROPHY 5. Identifiers: Orphanet 261, MedGen C2751805, MONDO:0013072, OMIM 612999.

Allele frequency attached by ClinVar (database versions not stated): ExAC 0.00003; gnomAD 0.00003; gnomAD exomes 0.00004 and 0.00006; TOPMed 0.00005.
gnomAD v4.1: 73 of 1,614,042 alleles (0.0045%); highest among the groups gnomAD compares: Non-Finnish European, 0.0055%; no homozygotes.

Submissions (4):

Revvity Omics, Revvity
Classification: Uncertain significance for Emery-Dreifuss muscular dystrophy 5, autosomal dominant. Last evaluated: 2024-08-15. Review status: criteria provided, single submitter. Criteria: ACMG Guidelines, 2015. Collection method: clinical testing. Allele origin: germline.

Labcorp Genetics (formerly Invitae), Labcorp
Classification: Uncertain significance for Emery-Dreifuss muscular dystrophy 5, autosomal dominant. Last evaluated: 2023-06-04. Review status: criteria provided, single submitter. Criteria: Invitae Variant Classification Sherloc (09022015). Collection method: clinical testing. Allele origin: germline.
Comment: In summary, the available evidence is currently insufficient to determine the role of this variant in disease. Therefore, it has been classified as a Variant of Uncertain Significance. ClinVar contains an entry for this variant (Variation ID: 1359305). This sequence change replaces glutamic acid, which is acidic and polar, with lysine, which is basic and polar, at codon 4901 of the SYNE2 protein (p.Glu4901Lys). This variant is present in population databases (rs766116136, gnomAD 0.009%). This variant has not been reported in the literature in individuals affected with SYNE2-related conditions. An algorithm developed to predict the effect of missense changes on protein structure and function (PolyPhen-2) suggests that this variant is likely to be disruptive.

Ambry Genetics
Classification: Uncertain significance. Last evaluated: 2022-06-03. Review status: criteria provided, single submitter. Criteria: Ambry Variant Classification Scheme 2023. Collection method: clinical testing. Allele origin: germline.

Breakthrough Genomics
Classification: Uncertain significance. Review status: criteria provided, single submitter. Criteria: ACMG Guidelines, 2015. Collection method: not provided. Allele origin: germline. Inheritance: Autosomal dominant inheritance. Affected: yes.

NM_182914.3(SYNE2):c.14701G>A (p.Glu4901Lys)

Gene: SYNE2 (spectrin repeat containing nuclear envelope protein 2; plus strand). Cytogenetic location: 14q23.2.
Variant type: single nucleotide variant.
Coding change: c.14701G>A on transcript NM_182914.3 (MANE Select); coding-DNA position 14701, G replaced by A.
Protein change: p.Glu4901Lys; replaces glutamic acid 4901 with lysine.
Molecular consequence: missense variant.
Genome position (GRCh38, 1-based): chr14:64,137,841, G>A. VCF-style: chr14-64137841-G-A. GRCh37 (hg19) VCF-style: chr14-64604559-G-A.
Other names: c.14701G>A, p.Glu4901Lys (NM_015180.6); c.14701G>A (NM_182914.2); short protein forms E4901K.
Identifiers: ClinVar variation 1359305 (VCV001359305.9), dbSNP rs766116136, ClinGen allele CA7222854.